The following is an entry in ClinVar:

ClinVar aggregate classification (germline): Benign/Likely benign. Review status: criteria provided, multiple submitters, no conflicts (2 of 4 stars). 3 submissions from 3 submitters: Benign (1); Likely benign (2). Last evaluated 2026-01-12.

Conditions:
Treacher Collins syndrome 1 (TCS1). Also called: TCOF1-Related Treacher Collins Syndrome. Identifiers: Orphanet 861, MedGen CN315775, MONDO:0007944, OMIM 154500.

Allele frequency attached by ClinVar (database versions not stated): gnomAD exomes 0.00008 and 0.00016; ExAC 0.00017; 1000 Genomes Project 0.00060; 1000 Genomes Project 30x 0.00062; gnomAD 0.00071 and 0.00073; TOPMed 0.00082; ESP Exome Variant Server 0.00108.
gnomAD v4.1: 225 of 1,613,630 alleles (0.014%); highest among the groups gnomAD compares: African/African-American, 0.25%; no homozygotes.

Submissions (3):

Labcorp Genetics (formerly Invitae), Labcorp
Classification: Benign for Treacher Collins syndrome 1. Last evaluated: 2026-01-12. Review status: criteria provided, single submitter. Criteria: Invitae Variant Classification Sherloc (09022015). Collection method: clinical testing. Allele origin: germline.

Blueprint Genetics
Classification: Likely benign. Last evaluated: 2022-10-31. Review status: criteria provided, single submitter. Criteria: ACMG Guidelines, 2015. Collection method: clinical testing. Allele origin: germline.

GeneDx
Classification: Likely benign. Last evaluated: 2018-03-22. Review status: criteria provided, single submitter. Criteria: GeneDx Variant Classification (06012015). Collection method: clinical testing. Allele origin: germline. Affected: yes.
Comment: This variant is considered likely benign or benign based on one or more of the following criteria: it is a conservative change, it occurs at a poorly conserved position in the protein, it is predicted to be benign by multiple in silico algorithms, and/or has population frequency not consistent with disease.

NM_001371623.1(TCOF1):c.3604-14A>G

Gene: TCOF1 (treacle ribosome biogenesis factor 1; plus strand). Cytogenetic location: 5q32.
Variant type: single nucleotide variant.
Coding change: c.3604-14A>G on transcript NM_001371623.1 (MANE Select); 14 bases into the intron before coding-DNA position 3604, A replaced by G.
Molecular consequence: intron variant.
Genome position (GRCh38, 1-based): chr5:150,393,358, A>G. VCF-style: chr5-150393358-A-G. GRCh37 (hg19) VCF-style: chr5-149772921-A-G.
Other names: c.3601-14A>G (NM_001135243.2); c.3490-14A>G (NM_001135244.2); c.3487-14A>G (NM_001195141.2); c.3373-14A>G (NM_001135245.2); c.3370-14A>G (NM_000356.4).
Identifiers: ClinVar variation 680445 (VCV000680445.10), dbSNP rs373075669, ClinGen allele CA3511561.